The following is an entry in ClinVar:

NM_001278512.2(AP3B2):c.1963A>G (p.Asn655Asp)

Genes: AP3B2 (adaptor related protein complex 3 subunit beta 2; minus strand), CPEB1-AS1 (CPEB1 antisense RNA 1; plus strand). Cytogenetic location: 15q25.2.
Variant type: single nucleotide variant.
Coding change: c.1963A>G on transcript NM_001278512.2 (MANE Select); coding-DNA position 1963, A replaced by G.
Protein change: p.Asn655Asp; replaces asparagine 655 with aspartic acid.
Molecular consequence: missense variant.
Genome position (GRCh38, 1-based): chr15:82,665,465, T>C on the plus strand (A>G on the coding strand, the complement: AP3B2 is on the minus strand). VCF-style: chr15-82665465-T-C. GRCh37 (hg19) VCF-style: chr15-83334217-T-C.
Other names: c.1867A>G, p.Asn623Asp (NM_001278511.2); c.1963A>G, p.Asn655Asp (NM_004644.5); short protein forms N623D, N655D.
Identifiers: ClinVar variation 1474380 (VCV001474380.3), dbSNP rs2151430058, ClinGen allele CA393312788.

ClinVar aggregate classification (germline): Uncertain significance (1 of 4 stars; one submission).

gnomAD v4.1: 1 of 1,610,182 alleles (0.000062%); highest among the groups gnomAD compares: Non-Finnish European, 0.000085%; no homozygotes.

Submission:

Labcorp Genetics (formerly Invitae), Labcorp
Classification: Uncertain significance. Last evaluated: 2021-12-02. Review status: criteria provided, single submitter. Criteria: Invitae Variant Classification Sherloc (09022015). Collection method: clinical testing. Allele origin: germline.
Comment: This sequence change replaces asparagine, which is neutral and polar, with aspartic acid, which is acidic and polar, at codon 655 of the AP3B2 protein (p.Asn655Asp). This variant is not present in population databases (gnomAD no frequency). This variant has not been reported in the literature in individuals affected with AP3B2-related conditions. Algorithms developed to predict the effect of missense changes on protein structure and function (SIFT, PolyPhen-2, Align-GVGD) all suggest that this variant is likely to be tolerated. In summary, the available evidence is currently insufficient to determine the role of this variant in disease. Therefore, it has been classified as a Variant of Uncertain Significance.